The following is an entry in ClinVar:

ClinVar aggregate classification (germline): Pathogenic (1 of 4 stars; one submission).

Conditions:
Neurofibromatosis, type 1 (NF1). Also called: Neurofibromatosis, type I; VON RECKLINGHAUSEN DISEASE; NEUROFIBROMATOSIS, TYPE I, SOMATIC; Peripheral type neurofibromatosis. Identifiers: Orphanet 636, MedGen C0027831, MONDO:0018975, OMIM 162200. Disease mechanism: loss of function.

Submission:

Labcorp Genetics (formerly Invitae), Labcorp
Classification: Pathogenic for Neurofibromatosis, type 1. Last evaluated: 2024-03-03. Review status: criteria provided, single submitter. Criteria: Invitae Variant Classification Sherloc (09022015). Collection method: clinical testing. Allele origin: germline.
Comment: This sequence change inserts a large fragment of DNA, likely a transposable element, in exon 36 of the NF1 gene (c.5141_5142ins?), causing a frameshift at codon 1714 (p.Glu1714fs). The exact size and sequence of the insertion cannot be determined by the current assay. However, the insertion is expected to result in an absent or disrupted protein product. This variant is not present in population databases (gnomAD no frequency). This variant has not been reported in the literature in individuals affected with NF1-related conditions. Retrotransposon insertions including LINE1 (L1), Alu, and SVA (SINE-VNTR-Alu) have been reported to be disease-causing through disruption of either a coding region or splice site (PMID: 19763152, 20307669, 22406018) and loss-of-function variants in NF1 are known to be pathogenic (PMID: 10712197, 23913538). For these reasons, this variant has been classified as Pathogenic.

Literature cited by the submitters: PubMed 19763152; PubMed 20307669; PubMed 22406018; PubMed 10712197; PubMed 23913538.

NM_001042492.3(NF1):c.5199_5204AGA[2]CCATCCTGGCTAACAAGGTGAAACCCCGTCTCTACTAAAAATACAAAAAATTAGCCGGGCGCGGTGGCGGGCNNNNNNNNNNAAAAAAAAAAAAAAAAAAAAAGAAGA[1] (p.Glu1735delinsAspHisProGlyTer)

Gene: NF1 (neurofibromin 1; plus strand). Cytogenetic location: 17q11.2.
Variant type: Microsatellite.
Coding change: c.5199_5204AGA[2]CCATCCTGGCTAACAAGGTGAAACCCCGTCTCTACTAAAAATACAAAAAATTAGCCGGGCGCGGTGGCGGGCNNNNNNNNNNAAAAAAAAAAAAAAAAAAAAAGAAGA[1] on transcript NM_001042492.3 (MANE Select).
Protein change: p.Glu1735delinsAspHisProGlyTer.
Molecular consequence: nonsense. On other transcripts: synonymous variant (1).
Genome position: GRCh38: chr17:31,326,183-31,326,188. GRCh37 (hg19): chr17:29,653,201-29,653,206.
Other names: c.5136_5141AGA[2][1], p.Leu1712_Glu1714= (NM_000267.4).
Identifiers: ClinVar variation 1453554 (VCV001453554.6).